The following is an entry in ClinVar:

NM_006988.5(ADAMTS1):c.1954G>A (p.Val652Ile)

Gene: ADAMTS1 (ADAM metallopeptidase with thrombospondin type 1 motif 1; minus strand). Cytogenetic location: 21q21.3.
Variant type: single nucleotide variant.
Coding change: c.1954G>A on transcript NM_006988.5 (MANE Select); coding-DNA position 1954, G replaced by A.
Protein change: p.Val652Ile; replaces valine 652 with isoleucine.
Molecular consequence: missense variant.
Genome position (GRCh38, 1-based): chr21:26,839,661, C>T on the plus strand (G>A on the coding strand, the complement: ADAMTS1 is on the minus strand). VCF-style: chr21-26839661-C-T. GRCh37 (hg19) VCF-style: chr21-28211980-C-T.
Other names: short protein forms V652I.
Identifiers: ClinVar variation 2652575 (VCV002652575.24), dbSNP rs201769018, ClinGen allele CA9988258.
Genomic context (GRCh38, chr21:26,839,661, plus strand): 5'-CGAAGAAGTAGCCAATGCCTTTGGCTTGGCAGATGAGCTTGCACCTGTCCTTTGGTGAGA[C>T]GCCAGCGTACTTGGGAATCCATTCCACCGCAGGCCCACTCCCAAAGGAAGCTTTTGAAAA-3'
Protein context (NP_008919.3, residues 642-662): AVEWIPKYAG[Val652Ile]SPKDRCKLIC

ClinVar aggregate classification (germline): Likely benign (1 of 4 stars; one submission).

Allele frequency attached by ClinVar (database versions not stated): gnomAD exomes 0.00003; ExAC 0.00005; gnomAD 0.00007; TOPMed 0.00009; 1000 Genomes Project 30x 0.00016; 1000 Genomes Project 0.00020.
gnomAD v4.1: 59 of 1,613,876 alleles (0.0037%); highest among the groups gnomAD compares: African/African-American, 0.008%; no homozygotes.

Submission:

CeGaT Center for Human Genetics Tuebingen
Classification: Likely benign. Last evaluated: 2022-03-01. Review status: criteria provided, single submitter. Criteria: CeGaT Center For Human Genetics Tuebingen Variant Classification Criteria Version 2. Collection method: clinical testing. Allele origin: germline. Affected: yes. Observed: 1 variant allele.
Comment: ADAMTS1: BP4